The following is an entry in ClinVar:

NM_004006.3(DMD):c.2749C>A (p.His917Asn)

Gene: DMD (dystrophin; minus strand). Cytogenetic location: Xp21.1.
Variant type: single nucleotide variant.
Coding change: c.2749C>A on transcript NM_004006.3 (MANE Select); coding-DNA position 2749, C replaced by A.
Protein change: p.His917Asn; replaces histidine 917 with asparagine.
Molecular consequence: missense variant.
Genome position (GRCh38, 1-based): chrX:32,484,973, G>T on the plus strand (C>A on the coding strand, the complement: DMD is on the minus strand). VCF-style: chrX-32484973-G-T. GRCh37 (hg19) VCF-style: chrX-32503090-G-T.
Other names: c.2725C>A, p.His909Asn (NM_000109.4); c.2737C>A, p.His913Asn (NM_004009.3); c.2380C>A, p.His794Asn (NM_004010.3); short protein forms H909N, H794N, H913N, H917N.
Identifiers: ClinVar variation 2834446 (VCV002834446.3), dbSNP rs2524912893, ClinGen allele CA412670753.
Genomic context (GRCh38, chrX:32,484,973, plus strand): 5'-ACTTACTTGTCTGTAGCTCTTTCTCTCTGGCCTGCACATCAGAAAAGACTTGCTTAAAAT[G>T]ATTTGTAAAGGCCACAAAGTCTGCATCCAGGAACATGGGTCCTTGTCCTTTCTCTTTCAG-3'
Protein context (NP_003997.2, residues 907-927): LDADFVAFTN[His917Asn]FKQVFSDVQA

ClinVar aggregate classification (germline): Uncertain significance (1 of 4 stars; one submission).

Conditions:
Duchenne muscular dystrophy (DMD). Also called: MUSCULAR DYSTROPHY, PSEUDOHYPERTROPHIC PROGRESSIVE, DUCHENNE TYPE; Duchenne Muscular Dystrophy (DMD). Identifiers: Orphanet 98896, MedGen C0013264, MONDO:0010679, OMIM 310200.

Submission:

Labcorp Genetics (formerly Invitae), Labcorp
Classification: Uncertain significance for Duchenne muscular dystrophy. Last evaluated: 2023-02-04. Review status: criteria provided, single submitter. Criteria: Invitae Variant Classification Sherloc (09022015). Collection method: clinical testing. Allele origin: germline.
Comment: This sequence change replaces histidine, which is basic and polar, with asparagine, which is neutral and polar, at codon 917 of the DMD protein (p.His917Asn). This variant is not present in population databases (gnomAD no frequency). This variant has not been reported in the literature in individuals affected with DMD-related conditions. Advanced modeling of protein sequence and biophysical properties (such as structural, functional, and spatial information, amino acid conservation, physicochemical variation, residue mobility, and thermodynamic stability) performed at Invitae indicates that this missense variant is not expected to disrupt DMD protein function. In summary, the available evidence is currently insufficient to determine the role of this variant in disease. Therefore, it has been classified as a Variant of Uncertain Significance.